The following is an entry in ClinVar:

ClinVar aggregate classification (germline): Pathogenic (1 of 4 stars; one submission).

Allele frequency attached by ClinVar (database versions not stated): gnomAD exomes below 0.00001; ExAC 0.00001.

Submission:

Labcorp Genetics (formerly Invitae), Labcorp
Classification: Pathogenic. Last evaluated: 2023-02-07. Review status: criteria provided, single submitter. Criteria: Invitae Variant Classification Sherloc (09022015). Collection method: clinical testing. Allele origin: germline.
Comment: This variant has not been reported in the literature in individuals affected with TG-related conditions. This variant is present in population databases (rs764514762, gnomAD 0.005%). This sequence change creates a premature translational stop signal (p.Cys921Serfs*5) in the TG gene. It is expected to result in an absent or disrupted protein product. Loss-of-function variants in TG are known to be pathogenic (PMID: 19837936, 23164529). Algorithms developed to predict the effect of sequence changes on RNA splicing suggest that this variant may disrupt the consensus splice site. For these reasons, this variant has been classified as Pathogenic.

Literature cited by the submitters: PubMed 19837936; PubMed 23164529.

NM_003235.5(TG):c.2760_2761del (p.Cys921fs)

Gene: TG (thyroglobulin; plus strand). Cytogenetic location: 8q24.22.
Variant type: Deletion.
Coding change: c.2760_2761del on transcript NM_003235.5 (MANE Select); coding-DNA positions 2760 to 2761, 2 bases deleted (AT; older notation c.2760_2761delAT).
Protein change: p.Cys921fs; shifts the reading frame from cysteine 921.
Molecular consequence: frameshift variant.
Genome position (GRCh38, 1-based): chr8:132,888,567-132,888,568, AT deleted. VCF-style (leftmost placement, unchanged base first): chr8-132888566-CAT-C. GRCh37 (hg19) VCF-style: chr8-133900811-CAT-C.
Other names: short protein forms C921fs.
Identifiers: ClinVar variation 2835173 (VCV002835173.3), dbSNP rs764514762, ClinGen allele CA4883467.